The following is an entry in ClinVar:

NM_000038.6(APC):c.136-5A>G

Gene: APC (APC regulator of Wnt signaling pathway; plus strand). Cytogenetic location: 5q22.2.
Variant type: single nucleotide variant.
Coding change: c.136-5A>G on transcript NM_000038.6 (MANE Select); 5 bases into the intron before coding-DNA position 136, A replaced by G.
Molecular consequence: intron variant.
Genome position (GRCh38, 1-based): chr5:112,766,321, A>G. VCF-style: chr5-112766321-A-G. GRCh37 (hg19) VCF-style: chr5-112102018-A-G.
Other names: c.136-5A>G (NM_001354895.2, NM_001127510.3, NM_001354896.2 and 2 more transcripts); c.166-5A>G (NM_001354897.2, NM_001354902.2, NM_001127511.3); c.61-5A>G (NM_001354898.2, NM_001354904.2); c.-900-5A>G (NM_001354906.2); c.-42-5A>G (NM_001354900.2, NM_001354901.2, NM_001354905.2).
Identifiers: ClinVar variation 798017 (VCV000798017.16), dbSNP rs1581159924, ClinGen allele CA915943440.
Genomic context (GRCh38, chr5:112,766,321, plus strand): 5'-AATACAGAATCATGTCTTGAAGTTATTTAGAATTTCATGTTAATATATTGTGTTCTTTTT[A>G]ACAGGAAGTACTTAAACAACTACAAGGAAGTATTGAAGATGAAGCTATGGCTTCTTCTGG-3'

ClinVar aggregate classification (germline): Conflicting classifications of pathogenicity. Review status: criteria provided, conflicting classifications (1 of 4 stars). 3 submissions from 3 submitters: Uncertain significance (1); Likely benign (2). Last evaluated 2024-02-22.

Conditions:
Familial adenomatous polyposis 1 (FAP1). Also called: POLYPOSIS, ADENOMATOUS INTESTINAL; FAMILIAL ADENOMATOUS POLYPOSIS 1, ATTENUATED. Identifiers: MedGen C2713442, MONDO:0021056, OMIM 175100. Disease mechanism: loss of function.
Hereditary cancer-predisposing syndrome. Also called: Neoplastic Syndromes, Hereditary; Hereditary neoplastic syndrome; Tumor predisposition; Hereditary Cancer Syndrome. Identifiers: Orphanet 140162, MedGen C0027672, MeSH D009386, MONDO:0015356.

Allele frequency attached by ClinVar (database versions not stated): gnomAD exomes below 0.00001.
gnomAD v4.1: 1 of 1,575,030 alleles (0.000063%); highest among the groups gnomAD compares: Non-Finnish European, 0.000087%; no homozygotes.

Submissions (3):

Myriad Genetics, Inc.
Classification: Likely benign for Familial adenomatous polyposis 1. Last evaluated: 2024-02-22. Review status: criteria provided, single submitter. Criteria: Myriad Autosomal Dominant, Autosomal Recessive and X-Linked Classification Criteria (2023). Collection method: clinical testing. Allele origin: unknown.
Comment: This variant is considered likely benign. This variant is intronic and is not expected to impact mRNA splicing.

Ambry Genetics
Classification: Uncertain significance for Hereditary cancer-predisposing syndrome. Last evaluated: 2023-10-19. Review status: criteria provided, single submitter. Criteria: Ambry Variant Classification Scheme 2023. Collection method: clinical testing. Allele origin: germline.
Comment: The c.136-5A>G intronic variant results from an A to G substitution 5 nucleotides before coding exon 2 in the APC gene. This nucleotide position is poorly conserved in available vertebrate species. In silico splice site analysis predicts that this alteration will not have any significant effect on splicing; however, direct evidence is insufficient at this time (Ambry internal data). Since supporting evidence is limited at this time, the clinical significance of this alteration remains unclear.

Labcorp Genetics (formerly Invitae), Labcorp
Classification: Likely benign for Familial adenomatous polyposis 1. Last evaluated: 2019-01-18. Review status: criteria provided, single submitter. Criteria: Invitae Variant Classification Sherloc (09022015). Collection method: clinical testing. Allele origin: germline.